The following is an entry in ClinVar:

NM_016955.4(SEPSECS):c.269+2T>C

Gene: SEPSECS (Sep (O-phosphoserine) tRNA:Sec (selenocysteine) tRNA synthase; minus strand). Cytogenetic location: 4p15.2.
Variant type: single nucleotide variant.
Coding change: c.269+2T>C on transcript NM_016955.4 (MANE Select); the canonical splice donor site of the intron after coding-DNA position 269, T replaced by C.
Molecular consequence: splice donor variant.
Genome position (GRCh38, 1-based): chr4:25,158,951, A>G on the plus strand (T>C on the coding strand, the complement: SEPSECS is on the minus strand). VCF-style: chr4-25158951-A-G. GRCh37 (hg19) VCF-style: chr4-25160573-A-G.
Other names: c.524+2T>C (NM_001410714.1).
Identifiers: ClinVar variation 1514775 (VCV001514775.8), dbSNP rs2109038924, ClinGen allele CA356543230.
Genomic context (GRCh38, chr4:25,158,951, plus strand): 5'-CCATTATTTTGAACCAAAAATAAATAAACGATGTATCTCCTGTACTACTTAAAAAAAGAT[A>G]CCTGTAATGACGACGAGCAACCAGTGCGGATGCCACTCTCCCTTCCCTTTCTCCCACACC-3'

ClinVar aggregate classification (germline): Likely pathogenic (1 of 4 stars; one submission).

Submission:

Labcorp Genetics (formerly Invitae), Labcorp
Classification: Likely pathogenic. Last evaluated: 2020-12-23. Review status: criteria provided, single submitter. Criteria: Invitae Variant Classification Sherloc (09022015). Collection method: clinical testing. Allele origin: germline.
Comment: This sequence change affects a donor splice site in intron 2 of the SEPSECS gene. It is expected to disrupt RNA splicing. Variants that disrupt the donor or acceptor splice site typically lead to a loss of protein function (PMID: 16199547), and loss-of-function variants in SEPSECS are known to be pathogenic (PMID: 25558065, 25590979, 26115735). This variant is not present in population databases (ExAC no frequency). This variant has not been reported in the literature in individuals with SEPSECS-related conditions. Algorithms developed to predict the effect of sequence changes on RNA splicing suggest that this variant may disrupt the consensus splice site, but this prediction has not been confirmed by published transcriptional studies. In summary, the currently available evidence indicates that the variant is pathogenic, but additional data are needed to prove that conclusively. Therefore, this variant has been classified as Likely Pathogenic.

Literature cited by the submitters: PubMed 16199547; PubMed 25558065; PubMed 25590979; PubMed 26115735.